The following is an entry in ClinVar:

ClinVar aggregate classification (germline): Uncertain significance (1 of 4 stars; one submission).

Submission:

GeneDx
Classification: Uncertain significance. Last evaluated: 2023-04-26. Review status: criteria provided, single submitter. Criteria: GeneDx Variant Classification Process June 2021. Collection method: clinical testing. Allele origin: germline. Affected: yes.
Comment: Not observed at significant frequency in large population cohorts (gnomAD); In silico analysis supports that this missense variant does not alter protein structure/function; Has not been previously published as pathogenic or benign to our knowledge

NM_015057.5(MYCBP2):c.13060G>A (p.Glu4354Lys)

Gene: MYCBP2 (MYC binding protein 2; minus strand). Cytogenetic location: 13q22.3.
Variant type: single nucleotide variant.
Coding change: c.13060G>A on transcript NM_015057.5 (MANE Select); coding-DNA position 13060, G replaced by A.
Protein change: p.Glu4354Lys; replaces glutamic acid 4354 with lysine.
Molecular consequence: missense variant.
Genome position (GRCh38, 1-based): chr13:77,059,603, C>T on the plus strand (G>A on the coding strand, the complement: MYCBP2 is on the minus strand). VCF-style: chr13-77059603-C-T. GRCh37 (hg19) VCF-style: chr13-77633738-C-T.
Other names: short protein forms E4354K.
Identifiers: ClinVar variation 2662105 (VCV002662105.1), dbSNP rs2502037523, ClinGen allele CA388370473.